The following is an entry in ClinVar:

NM_001371623.1(TCOF1):c.1281G>A (p.Ala427=)

Gene: TCOF1 (treacle ribosome biogenesis factor 1; plus strand). Cytogenetic location: 5q32.
Variant type: single nucleotide variant.
Coding change: c.1281G>A on transcript NM_001371623.1 (MANE Select); coding-DNA position 1281, G replaced by A.
Protein change: p.Ala427=; no amino-acid change (alanine 427 retained).
Molecular consequence: synonymous variant.
Genome position (GRCh38, 1-based): chr5:150,374,956, G>A. VCF-style: chr5-150374956-G-A. GRCh37 (hg19) VCF-style: chr5-149754519-G-A.
Other names: c.1050G>A, p.Ala350= (NM_000356.4, NM_001135245.2); c.1281G>A, p.Ala427= (NM_001008657.3, NM_001135243.2, NM_001135244.2 and 1 more transcripts).
Identifiers: ClinVar variation 209027 (VCV000209027.46), dbSNP rs113299143, ClinGen allele CA209083.

ClinVar aggregate classification (germline): Benign/Likely benign. Review status: criteria provided, multiple submitters, no conflicts (2 of 4 stars). 11 submissions from 11 submitters: Benign (5); Likely benign (2). 4 of the submissions do not count toward it. Last evaluated 2026-06-01.

Conditions:
TCOF1-related disorder. Also called: TCOF1-related condition.
Treacher Collins syndrome 1 (TCS1). Also called: TCOF1-Related Treacher Collins Syndrome. Identifiers: Orphanet 861, MedGen CN315775, MONDO:0007944, OMIM 154500.

Allele frequency attached by ClinVar (database versions not stated): 1000 Genomes Project 0.00220; 1000 Genomes Project 30x 0.00250; gnomAD exomes 0.00279 and 0.00362; gnomAD 0.00280 and 0.00291; ExAC 0.00283; TOPMed 0.00300; ESP Exome Variant Server 0.00339.
gnomAD v4.1: 5,653 of 1,612,508 alleles (0.35%); highest among the groups gnomAD compares: Non-Finnish European, 0.42%; 25 homozygotes.

Submissions (11):

CeGaT Center for Human Genetics Tuebingen
Classification: Benign. Last evaluated: 2026-06-01. Review status: criteria provided, single submitter. Criteria: CeGaT Center For Human Genetics Tuebingen Variant Classification Criteria Version 2. Collection method: clinical testing. Allele origin: germline. Affected: yes. Observed: 5 variant alleles.
Comment: TCOF1: BP4, BP7, BS1, BS2

Labcorp Genetics (formerly Invitae), Labcorp
Classification: Benign for Treacher Collins syndrome 1. Last evaluated: 2026-01-02. Review status: criteria provided, single submitter. Criteria: Invitae Variant Classification Sherloc (09022015). Collection method: clinical testing. Allele origin: germline.

Fulgent Genetics
Classification: Benign for Treacher Collins syndrome 1. Last evaluated: 2021-07-28. Review status: criteria provided, single submitter. Criteria: ACMG Guidelines, 2015. Collection method: clinical testing. Allele origin: unknown.

Athena Diagnostics
Classification: Benign. Last evaluated: 2021-02-25. Review status: criteria provided, single submitter. Criteria: Athena Diagnostics criteria. Collection method: clinical testing. Allele origin: unknown.

GeneDx
Classification: Benign. Last evaluated: 2020-03-04. Review status: criteria provided, single submitter. Criteria: GeneDx Variant Classification Process June 2021. Collection method: clinical testing. Allele origin: germline. Affected: yes.

Genetic Services Laboratory, University of Chicago
Classification: Likely benign. Last evaluated: 2015-07-10. Review status: criteria provided, single submitter. Criteria: ACMG Guidelines, 2015. Collection method: clinical testing. Allele origin: germline.

Breakthrough Genomics
Classification: Likely benign. Review status: criteria provided, single submitter. Criteria: ACMG Guidelines, 2015. Collection method: not provided. Allele origin: germline. Inheritance: Autosomal dominant inheritance. Affected: yes.

PreventionGenetics, part of Exact Sciences
Classification: Benign for TCOF1-related condition. Last evaluated: 2021-05-06. Review status: no assertion criteria provided. Collection method: clinical testing. Allele origin: germline. Not counted in ClinVar's aggregate classification.
Comment: This variant is classified as benign based on ACMG/AMP sequence variant interpretation guidelines (Richards et al. 2015 PMID: 25741868, with internal and published modifications).

Clinical Genetics DNA and cytogenetics Diagnostics Lab, Erasmus MC, Erasmus Medical Center
Classification: Likely benign. Review status: no assertion criteria provided. Collection method: clinical testing. Allele origin: germline. Affected: yes. Study: VKGL Data-share Consensus. Not counted in ClinVar's aggregate classification.

Genetics Laboratories, Oxford Radcliffe Hospitals NHS Trust
Classification: Likely benign for Treacher collins syndrome 1. Review status: no assertion criteria provided. Collection method: not provided. Allele origin: somatic. Not counted in ClinVar's aggregate classification.

Laboratory of Diagnostic Genome Analysis, Leiden University Medical Center (LUMC)
Classification: Likely benign. Review status: no assertion criteria provided. Collection method: clinical testing. Allele origin: germline. Affected: yes. Study: VKGL Data-share Consensus. Not counted in ClinVar's aggregate classification.

Literature cited by the submitters: PubMed 11013442 (cited by Athena Diagnostics).